The following is an entry in ClinVar:

NM_001256789.3(CACNA1F):c.475A>G (p.Ile159Val)

Gene: CACNA1F (calcium voltage-gated channel subunit alpha1 F; minus strand). Cytogenetic location: Xp11.23.
Variant type: single nucleotide variant.
Coding change: c.475A>G on transcript NM_001256789.3 (MANE Select); coding-DNA position 475, A replaced by G.
Protein change: p.Ile159Val; replaces isoleucine 159 with valine.
Molecular consequence: missense variant.
Genome position (GRCh38, 1-based): chrX:49,230,896, T>C on the plus strand (A>G on the coding strand, the complement: CACNA1F is on the minus strand). VCF-style: chrX-49230896-T-C. GRCh37 (hg19) VCF-style: chrX-49087358-T-C.
Other names: c.280A>G, p.Ile94Val (NM_001256790.3); c.475A>G, p.Ile159Val (NM_005183.4); short protein forms I94V, I159V.
Identifiers: ClinVar variation 1511283 (VCV001511283.6), dbSNP rs145391935, ClinGen allele CA10411076.
Genomic context (GRCh38, chrX:49,230,896, plus strand): 5'-CCGCAGACGCGCACCCGACCACGACGATGATGAAGTCGAGTAGGTTCCAGCCATTGCGGA[T>C]GTAGGCGCTGGGGTGGAGCACCAGCCCGTAGGCCACGATCTTGAGCACCGTCTCCACAGT-3'
Protein context (NP_001243718.1, residues 149-169): YGLVLHPSAY[Ile159Val]RNGWNLLDFI

ClinVar aggregate classification (germline): Uncertain significance (1 of 4 stars; one submission).

Allele frequency attached by ClinVar (database versions not stated): gnomAD exomes 0.00001 and 0.00002; TOPMed 0.00001; gnomAD 0.00003; ExAC 0.00009; ESP Exome Variant Server 0.00009.
gnomAD v4.1: 10 of 1,185,915 alleles (0.00084%); highest among the groups gnomAD compares: African/African-American, 0.0071%; no homozygotes.

Submission:

Labcorp Genetics (formerly Invitae), Labcorp
Classification: Uncertain significance. Last evaluated: 2025-08-17. Review status: criteria provided, single submitter. Criteria: Invitae Variant Classification Sherloc (09022015). Collection method: clinical testing. Allele origin: germline.
Comment: This sequence change replaces isoleucine, which is neutral and non-polar, with valine, which is neutral and non-polar, at codon 159 of the CACNA1F protein (p.Ile159Val). This variant is present in population databases (rs145391935, gnomAD 0.01%). This variant has not been reported in the literature in individuals affected with CACNA1F-related conditions. ClinVar contains an entry for this variant (Variation ID: 1511283). Invitae Evidence Modeling of protein sequence and biophysical properties (such as structural, functional, and spatial information, amino acid conservation, physicochemical variation, residue mobility, and thermodynamic stability) indicates that this missense variant is not expected to disrupt CACNA1F protein function with a negative predictive value of 80%. In summary, the available evidence is currently insufficient to determine the role of this variant in disease. Therefore, it has been classified as a Variant of Uncertain Significance.